The following is an entry in ClinVar:

ClinVar aggregate classification (germline): Uncertain significance. Review status: criteria provided, multiple submitters, no conflicts (2 of 4 stars). 2 submissions from 2 submitters: Uncertain significance (2). Last evaluated 2024-10-27.

Conditions:
Congenital contractural arachnodactyly (CCA). Also called: BEALS SYNDROME; Beals-Hecht syndrome; Arthrogryposis, distal, type 9. Identifiers: Orphanet 115, MedGen C0220668, MONDO:0007363, OMIM 121050.
Familial thoracic aortic aneurysm and aortic dissection (TAAD). Also called: Thoracic aortic aneurysms and dissections. Identifiers: Orphanet 91387, MedGen C4707243, MONDO:0019625.

Allele frequency attached by ClinVar (database versions not stated): TOPMed below 0.00001; ExAC 0.00001; gnomAD 0.00001; gnomAD exomes 0.00001 and 0.00002.
gnomAD v4.1: 22 of 1,613,176 alleles (0.0014%); highest among the groups gnomAD compares: Non-Finnish European, 0.0019%; no homozygotes.

Submissions (2):

Labcorp Genetics (formerly Invitae), Labcorp
Classification: Uncertain significance for Congenital contractural arachnodactyly. Last evaluated: 2024-10-27. Review status: criteria provided, single submitter. Criteria: Invitae Variant Classification Sherloc (09022015). Collection method: clinical testing. Allele origin: germline.
Comment: This sequence change replaces aspartic acid, which is acidic and polar, with asparagine, which is neutral and polar, at codon 2449 of the FBN2 protein (p.Asp2449Asn). This variant also falls at the last nucleotide of exon 57, which is part of the consensus splice site for this exon. This variant is present in population databases (rs759198660, gnomAD 0.002%). This missense change has been observed in individual(s) with clinical features of left ventricular noncompaction (PMID: 37342443). ClinVar contains an entry for this variant (Variation ID: 213358). An algorithm developed to predict the effect of missense changes on protein structure and function (PolyPhen-2) suggests that this variant is likely to be disruptive. Variants that disrupt the consensus splice site are a relatively common cause of aberrant splicing (PMID: 17576681, 9536098). In summary, the available evidence is currently insufficient to determine the role of this variant in disease. Therefore, it has been classified as a Variant of Uncertain Significance.

GeneDx
Classification: Uncertain significance. Last evaluated: 2013-10-18. Review status: criteria provided, single submitter. Criteria: GeneDx Variant Classification (06012015). Collection method: clinical testing. Allele origin: germline. Affected: yes.
Comment: p.Asp2449Asn (GAT>AAT): c.7345 G>A in exon 57 of the FBN2 gene (NM_001999.3) The Asp2449Asn variant in the FBN2 gene has not been reported as a disease-causing mutation or as a benign polymorphism to our knowledge. Asp2449Asn results in a semi-conservative amino acid substitution of a negatively charged Aspartic acid with a neutral, polar Asparagine at a position that is conserved across species except in cat. In silico analysis predicts Asp2449Asn is damaging to the protein structure/function. The Asp2449Asn variant was not observed in approximately 6,500 individuals of European and African American ancestry in the NHLBI Exome Sequencing Project, indicating it is not a common benign variant in these populations. Nevertheless, no mutations in nearby residues have been reported in association with contractural arachnodactyly. With the clinical and molecular information available at this time, we cannot definitively determine if Asp2449Asn is a disease-causing mutation or a rare benign variant. This variant was found in TAAD

Literature cited by the submitters: PubMed 37342443 (cited by Labcorp Genetics (formerly Invitae), Labcorp); PubMed 17576681 (cited by Labcorp Genetics (formerly Invitae), Labcorp); PubMed 9536098 (cited by Labcorp Genetics (formerly Invitae), Labcorp).

NM_001999.4(FBN2):c.7345G>A (p.Asp2449Asn)

Gene: FBN2 (fibrillin 2; minus strand). Cytogenetic location: 5q23.3.
Variant type: single nucleotide variant.
Coding change: c.7345G>A on transcript NM_001999.4 (MANE Select); coding-DNA position 7345, G replaced by A.
Protein change: p.Asp2449Asn; replaces aspartic acid 2449 with asparagine.
Molecular consequence: missense variant.
Genome position (GRCh38, 1-based): chr5:128,278,635, C>T on the plus strand (G>A on the coding strand, the complement: FBN2 is on the minus strand). VCF-style: chr5-128278635-C-T. GRCh37 (hg19) VCF-style: chr5-127614327-C-T.
Other names: short protein forms D2449N.
Identifiers: ClinVar variation 213358 (VCV000213358.5), dbSNP rs759198660, ClinGen allele CA322531.